The following is an entry in ClinVar:

ClinVar aggregate classification (germline): Benign (1 of 4 stars; one submission).

Allele frequency attached by ClinVar (database versions not stated): gnomAD exomes 0.28876; gnomAD 0.30270 and 0.30329; TOPMed 0.32138; 1000 Genomes Project 0.32827; 1000 Genomes Project 30x 0.32917.

Submission:

GeneDx
Classification: Benign. Last evaluated: 2018-06-14. Review status: criteria provided, single submitter. Criteria: GeneDx Variant Classification (06012015). Collection method: clinical testing. Allele origin: germline. Affected: yes.
Comment: This variant is considered likely benign or benign based on one or more of the following criteria: it is a conservative change, it occurs at a poorly conserved position in the protein, it is predicted to be benign by multiple in silico algorithms, and/or has population frequency not consistent with disease.

NM_000702.4(ATP1A2):c.748+246dup

Gene: ATP1A2 (ATPase Na+/K+ transporting subunit alpha 2; plus strand). Cytogenetic location: 1q23.2.
Variant type: Duplication.
Coding change: c.748+246dup on transcript NM_000702.4 (MANE Select); 246 bases into the intron after coding-DNA position 748, one base duplicated (T; older notation c.748+246dupT).
Molecular consequence: intron variant.
Genome position (GRCh38, 1-based): chr1:160,125,499, T duplicated. VCF-style (leftmost placement, unchanged base first): chr1-160125498-C-CT. GRCh37 (hg19) VCF-style: chr1-160095288-C-CT.
Identifiers: ClinVar variation 678077 (VCV000678077.1), dbSNP rs35015303, ClinGen allele CA31491317.